The following is an entry in ClinVar:

NM_017934.7(PHIP):c.4789G>T (p.Ala1597Ser)

Genes: IRAK1BP1 (interleukin 1 receptor associated kinase 1 binding protein 1; plus strand), PHIP (PHIP subunit of CUL4-Ring ligase complex; minus strand). Cytogenetic location: 6q14.1.
Variant type: single nucleotide variant.
Coding change: c.4789G>T on transcript NM_017934.7 (MANE Select); coding-DNA position 4789, G replaced by T.
Protein change: p.Ala1597Ser; replaces alanine 1597 with serine.
Molecular consequence: missense variant.
Genome position (GRCh38, 1-based): chr6:78,945,339, C>A on the plus strand (G>T on the coding strand, the complement: PHIP is on the minus strand). VCF-style: chr6-78945339-C-A. GRCh37 (hg19) VCF-style: chr6-79655056-C-A.
Other names: short protein forms A1597S.
Identifiers: ClinVar variation 4991144 (VCV004991144.1).
Genomic context (GRCh38, chr6:78,945,339, plus strand): 5'-AAGATACAAGTAATACCTTACCTTGCTCAATGACAGCTGATGACTTTGAAAGAGTGGACG[C>A]CTTTGGGAGTACAGATGACTTCATTTTACGTTTGACTGGCTTTTCCTTTTCCATGTTTTC-3'
Protein context (NP_060404.4, residues 1587-1607): RKMKSSVLPK[Ala1597Ser]STLSKSSAVI

ClinVar aggregate classification (germline): Uncertain significance (1 of 4 stars; one submission).

Conditions:
PHIP-related disorder. Also called: PHIP-related condition; PHIP-related disorders.

Submission:

PreventionGenetics, part of Exact Sciences
Classification: Uncertain significance for PHIP-related condition. Last evaluated: 2026-03-26. Review status: criteria provided, single submitter. Criteria: ACMG Guidelines, 2015. Collection method: clinical testing. Allele origin: germline.
Comment: The PHIP c.4789G>T variant is predicted to result in the amino acid substitution p.Ala1597Ser. To our knowledge, this variant has not been reported in the literature or in a large population database (gnomAD), indicating this variant is rare. At this time, the clinical significance of this variant is uncertain due to the absence of conclusive functional and genetic evidence.